The following is an entry in ClinVar:

NM_182961.4(SYNE1):c.9585G>T (p.Met3195Ile)

Gene: SYNE1 (spectrin repeat containing nuclear envelope protein 1; minus strand). Cytogenetic location: 6q25.2.
Variant type: single nucleotide variant.
Coding change: c.9585G>T on transcript NM_182961.4 (MANE Select); coding-DNA position 9585, G replaced by T.
Protein change: p.Met3195Ile; replaces methionine 3195 with isoleucine.
Molecular consequence: missense variant.
Genome position (GRCh38, 1-based): chr6:152,369,537, C>A on the plus strand (G>T on the coding strand, the complement: SYNE1 is on the minus strand). VCF-style: chr6-152369537-C-A. GRCh37 (hg19) VCF-style: chr6-152690672-C-A.
Other names: p.Met3202Ile; c.9606G>T, p.Met3202Ile (NM_033071.5); short protein forms M3195I, M3202I.
Identifiers: ClinVar variation 3379726 (VCV003379726.1).

ClinVar aggregate classification (germline): Uncertain significance (1 of 4 stars; one submission).

gnomAD v4.1: 1 of 1,614,168 alleles (0.000062%); highest among the groups gnomAD compares: Non-Finnish European, 0.000085%; no homozygotes.

Submission:

Mayo Clinic Laboratories, Mayo Clinic
Classification: Uncertain significance. Last evaluated: 2024-05-06. Review status: criteria provided, single submitter. Criteria: ACMG Guidelines, 2015. Collection method: clinical testing. Allele origin: germline. Observed: 1 variant allele.
Comment: BP4, PM2